The following is an entry in ClinVar:

ClinVar aggregate classification (germline): Uncertain significance (1 of 4 stars; one submission).

gnomAD v4.1: 19 of 1,556,564 alleles (0.0012%); highest among the groups gnomAD compares: East Asian, 0.019%; no homozygotes.

Submission:

Labcorp Genetics (formerly Invitae), Labcorp
Classification: Uncertain significance. Last evaluated: 2024-05-21. Review status: criteria provided, single submitter. Criteria: Invitae Variant Classification Sherloc (09022015). Collection method: clinical testing. Allele origin: germline.
Comment: This sequence change replaces arginine, which is basic and polar, with glycine, which is neutral and non-polar, at codon 73 of the PPM1D protein (p.Arg73Gly). This variant is present in population databases (rs537959194, gnomAD 0.02%). This variant has not been reported in the literature in individuals affected with PPM1D-related conditions. Algorithms developed to predict the effect of missense changes on protein structure and function output the following: SIFT: "Not Available"; PolyPhen-2: "Benign"; Align-GVGD: "Not Available". The glycine amino acid residue is found in multiple mammalian species, which suggests that this missense change does not adversely affect protein function. In summary, the available evidence is currently insufficient to determine the role of this variant in disease. Therefore, it has been classified as a Variant of Uncertain Significance.

NM_003620.4(PPM1D):c.217C>G (p.Arg73Gly)

Gene: PPM1D (protein phosphatase, Mg2+/Mn2+ dependent 1D; plus strand). Cytogenetic location: 17q23.2.
Variant type: single nucleotide variant.
Coding change: c.217C>G on transcript NM_003620.4 (MANE Select); coding-DNA position 217, C replaced by G.
Protein change: p.Arg73Gly; replaces arginine 73 with glycine.
Molecular consequence: missense variant.
Genome position (GRCh38, 1-based): chr17:60,600,631, C>G. VCF-style: chr17-60600631-C-G. GRCh37 (hg19) VCF-style: chr17-58677992-C-G.
Other names: short protein forms R73G.
Identifiers: ClinVar variation 3667666 (VCV003667666.2).